The following is an entry in ClinVar:

ClinVar aggregate classification (germline): Conflicting classifications of pathogenicity. Review status: criteria provided, conflicting classifications (1 of 4 stars). 4 submissions from 4 submitters: Uncertain significance (1); Benign (1). 2 of the submissions do not count toward it. Last evaluated 2026-01-26.

Conditions:
ALDOB-related disorder. Also called: ALDOB-related condition.
Hereditary fructosuria. Also called: ALDOB DEFICIENCY; ALDOLASE B DEFICIENCY; FRUCTOSE-1,6-BISPHOSPHATE ALDOLASE B DEFICIENCY; FRUCTOSE-1-PHOSPHATE ALDOLASE DEFICIENCY; FRUCTOSEMIA; Fructose intolerance. Identifiers: Orphanet 469, MedGen C0016751, MONDO:0009249, OMIM 229600, HP:0005973. Disease mechanism: loss of function.

Allele frequency attached by ClinVar (database versions not stated): gnomAD 0.00001 and 0.00011; TOPMed 0.00004; 1000 Genomes Project 30x 0.00016; ExAC 0.00037.
gnomAD v4.1: 289 of 1,614,186 alleles (0.018%); highest among the groups gnomAD compares: South Asian, 0.3%; 6 homozygotes.

Submissions (4):

Labcorp Genetics (formerly Invitae), Labcorp
Classification: Benign for Hereditary fructosuria. Last evaluated: 2026-01-26. Review status: criteria provided, single submitter. Criteria: Invitae Variant Classification Sherloc (09022015). Collection method: clinical testing. Allele origin: germline.

Eurofins Ntd Llc (ga)
Classification: Uncertain significance. Last evaluated: 2018-02-23. Review status: criteria provided, single submitter. Criteria: EGL ClinVar v180209 classification definitions. Collection method: clinical testing. Allele origin: germline. Observed: 2 variant alleles, 2 heterozygotes.

PreventionGenetics, part of Exact Sciences
Classification: Likely benign for ALDOB-related condition. Last evaluated: 2023-07-31. Review status: no assertion criteria provided. Collection method: clinical testing. Allele origin: germline. Not counted in ClinVar's aggregate classification.
Comment: This variant is classified as likely benign based on ACMG/AMP sequence variant interpretation guidelines (Richards et al. 2015 PMID: 25741868, with internal and published modifications).

Natera, Inc.
Classification: Likely benign for Fructose intolerance. Last evaluated: 2020-08-10. Review status: no assertion criteria provided. Collection method: clinical testing. Allele origin: germline. Not counted in ClinVar's aggregate classification.

NM_000035.4(ALDOB):c.538C>A (p.Gln180Lys)

Gene: ALDOB (aldolase, fructose-bisphosphate B; minus strand). Cytogenetic location: 9q31.1.
Variant type: single nucleotide variant.
Coding change: c.538C>A on transcript NM_000035.4 (MANE Select); coding-DNA position 538, C replaced by A.
Protein change: p.Gln180Lys; replaces glutamine 180 with lysine.
Molecular consequence: missense variant.
Genome position (GRCh38, 1-based): chr9:101,427,484, G>T on the plus strand (C>A on the coding strand, the complement: ALDOB is on the minus strand). VCF-style: chr9-101427484-G-T. GRCh37 (hg19) VCF-style: chr9-104189766-G-T.
Other names: c.538C>A, p.Gln180Lys (LRG_1244t1); short protein forms Q180K.
Identifiers: ClinVar variation 501678 (VCV000501678.20), dbSNP rs574635615, ClinGen allele CA5161565.
Genomic context (GRCh38, chr9:101,427,484, plus strand): 5'-AAAGCTCTGAAGAAAACTCTAGCCTACTCTTTTTCAGCCCAAGGGGAAGGCAGAGCACCT[G>T]CTGACAGATGCTGGCGTAGCGAGCCAGGGCGTTGGCGTTTTCCTGGATAGCGAGGCTGGA-3'
Protein context (NP_000026.2, residues 170-190): ALARYASICQ[Gln180Lys]NGLVPIVEPE